The following is an entry in ClinVar:

NM_001999.4(FBN2):c.3260G>A (p.Gly1087Glu)

Gene: FBN2 (fibrillin 2; minus strand). Cytogenetic location: 5q23.3.
Variant type: single nucleotide variant.
Coding change: c.3260G>A on transcript NM_001999.4 (MANE Select); coding-DNA position 3260, G replaced by A.
Protein change: p.Gly1087Glu; replaces glycine 1087 with glutamic acid.
Molecular consequence: missense variant.
Genome position (GRCh38, 1-based): chr5:128,344,468, C>T on the plus strand (G>A on the coding strand, the complement: FBN2 is on the minus strand). VCF-style: chr5-128344468-C-T. GRCh37 (hg19) VCF-style: chr5-127680160-C-T.
Other names: short protein forms G1087E.
Identifiers: ClinVar variation 934791 (VCV000934791.10), dbSNP rs1751115198, ClinGen allele CA360762137.

ClinVar aggregate classification (germline): Conflicting classifications of pathogenicity. Review status: criteria provided, conflicting classifications (1 of 4 stars). 2 submissions from 2 submitters: Likely pathogenic (1); Uncertain significance (1). Last evaluated 2023-05-29.

Conditions:
Congenital contractural arachnodactyly (CCA). Also called: Beals-Hecht syndrome; BEALS SYNDROME; Arthrogryposis, distal, type 9. Identifiers: Orphanet 115, MedGen C0220668, MONDO:0007363, OMIM 121050.

Submissions (2):

Genetics and Molecular Pathology, SA Pathology
Classification: Likely pathogenic for Congenital contractural arachnodactyly. Last evaluated: 2023-05-29. Review status: criteria provided, single submitter. Criteria: ACMG Guidelines, 2015. Collection method: clinical testing. Allele origin: germline. Inheritance: Autosomal dominant inheritance. Affected: yes.
Comment: The FBN2 c.3260G>A variant is classified as LIKELY PATHOGENIC (PS2, PM5, PM2, PP3) The FBN2 c.3260G>A variant is a single nucleotide change in exon 25/65 of the FBN2 gene, which is predicted to change the amino acid glycine at position 1087 in the protein to glutamic acid. This variant is absent from population databases (PM2). Computational predictions support a deleterious effect on the gene or gene product (PP3). Fibrillins are organised in highly repetitive domains, including calcium-binding EGF domains. Most pathogenic variants associated with CCA to date are in exons 24 through 33 (Frederic et al, 2008; PMID:18767143). The EGF domain of FBN2 is glycine-rich, and it is inferred that missense changes from glycine residues will impact function (Peeters et al, 2022; PMID:35419902). Another missense change at this residue p.(Gly1087Arg) has been reported as pathogenic (ClinVar Variation ID: 652062) (PM5). This variant has been reported as a variant of uncertain significance by other diagnostic laboratories in a proband with congenital contractural arachnodactyly (ClinVar Variation ID: 934791). It has not been reported in dbSNP or HGMD.

Labcorp Genetics (formerly Invitae), Labcorp
Classification: Uncertain significance for Congenital contractural arachnodactyly. Last evaluated: 2019-07-22. Review status: criteria provided, single submitter. Criteria: Invitae Variant Classification Sherloc (09022015). Collection method: clinical testing. Allele origin: germline.
Comment: This variant is not present in population databases (ExAC no frequency). This sequence change replaces glycine with glutamic acid at codon 1087 of the FBN2 protein (p.Gly1087Glu). The glycine residue is moderately conserved and there is a moderate physicochemical difference between glycine and glutamic acid. This variant has not been reported in the literature in individuals with FBN2-related conditions. In summary, the available evidence is currently insufficient to determine the role of this variant in disease. Therefore, it has been classified as a Variant of Uncertain Significance. This variant disrupts the p.Gly1087 amino acid residue in FBN2. Other variant(s) that disrupt this residue have been determined to be pathogenic (Invitae). This suggests that this residue is clinically significant, and that variants that disrupt this residue are likely to be disease-causing. Algorithms developed to predict the effect of missense changes on protein structure and function are either unavailable or do not agree on the potential impact of this missense change (SIFT: "Deleterious"; PolyPhen-2: "Probably Damaging"; Align-GVGD: "Class C0").

Literature cited by the submitters: PubMed 18767143 (cited by Genetics and Molecular Pathology, SA Pathology); PubMed 35419902 (cited by Genetics and Molecular Pathology, SA Pathology).